The following is an entry in ClinVar:

ClinVar aggregate classification (germline): Uncertain significance (1 of 4 stars; one submission).

Submission:

Labcorp Genetics (formerly Invitae), Labcorp
Classification: Uncertain significance. Last evaluated: 2022-06-10. Review status: criteria provided, single submitter. Criteria: Invitae Variant Classification Sherloc (09022015). Collection method: clinical testing. Allele origin: germline.
Comment: A copy number gain of the genomic region encompassing the full coding sequence of the JAK1 gene has been identified. The boundaries of this event are unknown as they extend beyond the assayed region for this gene and therefore may encompass additional genes. As the precise location of this event is unknown, it may be in tandem or it may be located elsewhere in the genome. This variant has not been reported in the literature in individuals affected with JAK1-related conditions. In summary, the available evidence is currently insufficient to determine the role of this variant in disease. Therefore, it has been classified as a Variant of Uncertain Significance.

NC_000001.10:g.(?_65299551)_(65351947_?)dup

Gene: JAK1 (Janus kinase 1; minus strand). Cytogenetic location: 1p31.3.
Variant type: Duplication.
Identifiers: ClinVar variation 2424378 (VCV002424378.3).